The following is an entry in ClinVar:

NM_014000.3(VCL):c.1029A>C (p.Gln343His)

Gene: VCL (vinculin; plus strand). Cytogenetic location: 10q22.2.
Variant type: single nucleotide variant.
Coding change: c.1029A>C on transcript NM_014000.3 (MANE Select); coding-DNA position 1029, A replaced by C.
Protein change: p.Gln343His; replaces glutamine 343 with histidine.
Molecular consequence: missense variant.
Genome position (GRCh38, 1-based): chr10:74,089,202, A>C. VCF-style: chr10-74089202-A-C. GRCh37 (hg19) VCF-style: chr10-75848960-A-C.
Other names: c.1029A>C, p.Gln343His (NM_003373.4); short protein forms Q343H.
Identifiers: ClinVar variation 2696108 (VCV002696108.3), dbSNP rs2549222597, ClinGen allele CA377272207.

ClinVar aggregate classification (germline): Uncertain significance (1 of 4 stars; one submission).

Conditions:
Dilated cardiomyopathy 1W (CMD1W). Identifiers: Orphanet 154, MedGen C1969639, MONDO:0012667, OMIM 611407.

Submission:

Labcorp Genetics (formerly Invitae), Labcorp
Classification: Uncertain significance for Dilated cardiomyopathy 1W. Last evaluated: 2023-11-15. Review status: criteria provided, single submitter. Criteria: Invitae Variant Classification Sherloc (09022015). Collection method: clinical testing. Allele origin: germline.
Comment: This sequence change replaces glutamine, which is neutral and polar, with histidine, which is basic and polar, at codon 343 of the VCL protein (p.Gln343His). This variant is not present in population databases (gnomAD no frequency). This variant has not been reported in the literature in individuals affected with VCL-related conditions. An algorithm developed to predict the effect of missense changes on protein structure and function (PolyPhen-2) suggests that this variant is likely to be tolerated. In summary, the available evidence is currently insufficient to determine the role of this variant in disease. Therefore, it has been classified as a Variant of Uncertain Significance.